The following is an entry in ClinVar:

ClinVar aggregate classification (germline): Uncertain significance. Review status: criteria provided, single submitter (1 of 4 stars). 2 submissions from 2 submitters: Uncertain significance (1). 1 of the submissions does not count toward it. Last evaluated 2026-01-27.

Conditions:
RNF31-related disorder. Also called: RNF31-related condition.

Allele frequency attached by ClinVar (database versions not stated): gnomAD 0.00011; ExAC 0.00012; TOPMed 0.00012; ESP Exome Variant Server 0.00025; gnomAD exomes 0.00036.
gnomAD v4.1: 538 of 1,613,686 alleles (0.033%); highest among the groups gnomAD compares: Non-Finnish European, 0.044%; no homozygotes.

Submissions (3):

Labcorp Genetics (formerly Invitae), Labcorp
Classification: Uncertain significance. Last evaluated: 2026-01-27. Review status: criteria provided, single submitter. Criteria: Invitae Variant Classification Sherloc (09022015). Collection method: clinical testing. Allele origin: germline.
Comment: This sequence change falls in intron 18 of the RNF31 gene. It does not directly change the encoded amino acid sequence of the RNF31 protein. It affects a nucleotide within the consensus splice site. This variant is present in population databases (rs201453918, gnomAD 0.03%). This variant has not been reported in the literature in individuals affected with RNF31-related conditions. ClinVar contains an entry for this variant (Variation ID: 2201670). Variants that disrupt the consensus splice site are a relatively common cause of aberrant splicing (PMID: 17576681, 9536098). Algorithms developed to predict the effect of sequence changes on RNA splicing suggest that this variant is not likely to affect RNA splicing. In summary, the available evidence is currently insufficient to determine the role of this variant in disease. Therefore, it has been classified as a Variant of Uncertain Significance.

PreventionGenetics, part of Exact Sciences
Classification: Likely benign for RNF31-related condition. Last evaluated: 2019-03-06. Review status: no assertion criteria provided. Collection method: clinical testing. Allele origin: germline. Not counted in ClinVar's aggregate classification.
Comment: This variant is classified as likely benign based on ACMG/AMP sequence variant interpretation guidelines (Richards et al. 2015 PMID: 25741868, with internal and published modifications).

Dr. Peter K. Rogan Lab, Western University
No classification provided (evidence only). Condition: Sarcoma. Review status: no classification provided. Collection method: in vitro. Allele origin: not applicable. Functional consequence: skipped exon, retained intron. Not counted in ClinVar's aggregate classification.

Literature cited by the submitters: PubMed 17576681 (cited by Labcorp Genetics (formerly Invitae), Labcorp); PubMed 9536098 (cited by Labcorp Genetics (formerly Invitae), Labcorp).

NM_017999.5(RNF31):c.2899+6T>A

Gene: RNF31 (ring finger protein 31; plus strand). Cytogenetic location: 14q12.
Variant type: single nucleotide variant.
Coding change: c.2899+6T>A on transcript NM_017999.5 (MANE Select); 6 bases into the intron after coding-DNA position 2899, T replaced by A.
Molecular consequence: intron variant.
Genome position (GRCh38, 1-based): chr14:24,158,205, T>A. VCF-style: chr14-24158205-T-A. GRCh37 (hg19) VCF-style: chr14-24627414-T-A.
Other names: c.2446+6T>A (NM_001310332.2); c.2899+6T>A (NM_017999.4).
Identifiers: ClinVar variation 2201670 (VCV002201670.7), dbSNP rs201453918, ClinGen allele CA7126198.
Genomic context (GRCh38, chr14:24,158,205, plus strand): 5'-AATAACGTCATGTTTAATACAGAGCCTCCAGCTGGGGCCCGGGCAGTCCCTGGAGGTGAG[T>A]GTTAGGACAAGCCTTTGAGAAGAGGAGATGGTGTGCTGGGCTCCCACCGTGTGATGGGTA-3'